The following is an entry in ClinVar:

NM_022041.4(GAN):c.*372G>A

Gene: GAN (gigaxonin; plus strand). Cytogenetic location: 16q23.2.
Variant type: single nucleotide variant.
Coding change: c.*372G>A on transcript NM_022041.4 (MANE Select); 372 bases downstream of the stop codon, G replaced by A.
Molecular consequence: 3 prime UTR variant.
Genome position (GRCh38, 1-based): chr16:81,377,968, G>A. VCF-style: chr16-81377968-G-A. GRCh37 (hg19) VCF-style: chr16-81411573-G-A.
Other names: c.*372G>A (NM_001377486.1).
Identifiers: ClinVar variation 320672 (VCV000320672.5), dbSNP rs79192026, ClinGen allele CA10648121.

ClinVar aggregate classification (germline): Benign (1 of 4 stars; one submission).

Conditions:
Giant axonal neuropathy 1 (GAN1). Also called: GAN-Related Neurodegeneration; GIANT AXONAL NEUROPATHY 1, AUTOSOMAL RECESSIVE. Identifiers: Orphanet 643, MedGen C1850386, MONDO:0009749, OMIM 256850.

Allele frequency attached by ClinVar (database versions not stated): gnomAD 0.00334 and 0.00361; TOPMed 0.00381; 1000 Genomes Project 0.00479; 1000 Genomes Project 30x 0.00609.
gnomAD v4.1: 585 of 292,202 alleles (0.2%); highest among the groups gnomAD compares: African/African-American, 1.2%; 5 homozygotes.

Submission:

Illumina Laboratory Services, Illumina
Classification: Benign for Giant axonal neuropathy 1. Last evaluated: 2018-01-12. Review status: criteria provided, single submitter. Criteria: ICSL Variant Classification Criteria 13 December 2019. Collection method: clinical testing. Allele origin: germline.
Comment: This variant was observed in the ICSL laboratory as part of a predisposition screen in an ostensibly healthy population. It had not been previously curated by ICSL or reported in the Human Gene Mutation Database (HGMD: prior to June 1st, 2018), and was therefore a candidate for classification through an automated scoring system. Utilizing variant allele frequency, disease prevalence and penetrance estimates, and inheritance mode, an automated score was calculated to assess if this variant is too frequent to cause the disease. Based on the score and internal cut-off values, a variant classified as benign is not then subjected to further curation. The score for this variant resulted in a classification of benign for this disease.